The following is an entry in ClinVar:

ClinVar aggregate classification (germline): Likely pathogenic (1 of 4 stars; one submission).

Submission:

GeneDx
Classification: Likely pathogenic. Last evaluated: 2024-08-29. Review status: criteria provided, single submitter. Criteria: GeneDx Variant Classification Process June 2021. Collection method: clinical testing. Allele origin: germline. Affected: yes.
Comment: Not observed at significant frequency in large population cohorts (gnomAD); In-frame deletion of 1 amino acid in a non-repeat region; In silico analysis supports a deleterious effect on protein structure/function; Has not been previously published as pathogenic or benign to our knowledge

NM_004722.4(AP4M1):c.1223_1225del (p.Ser408del)

Gene: AP4M1 (adaptor related protein complex 4 subunit mu 1; plus strand). Cytogenetic location: 7q22.1.
Variant type: Deletion.
Coding change: c.1223_1225del on transcript NM_004722.4 (MANE Select); coding-DNA positions 1223 to 1225, 3 bases deleted (CCT; older notation c.1223_1225delCCT).
Protein change: p.Ser408del; deletes serine 408.
Genome position (GRCh38, 1-based): chr7:100,106,743-100,106,745, CCT deleted; deleting any 3 consecutive bases within chr7:100,106,741-100,106,745 gives the same sequence; the c. name uses the placement nearest the transcript's 3' end. VCF-style (leftmost placement, unchanged base first): chr7-100106740-TCTC-T. GRCh37 (hg19) VCF-style: chr7-99704363-TCTC-T.
Other names: c.1244_1246del, p.Ser415del (NM_001363671.2); short protein forms S408del, S415del.
Identifiers: ClinVar variation 3766168 (VCV003766168.1).